The following is an entry in ClinVar:

ClinVar aggregate classification (germline): Uncertain significance (1 of 4 stars; one submission).

Conditions:
Familial thoracic aortic aneurysm and aortic dissection (TAAD). Also called: Thoracic aortic aneurysms and dissections. Identifiers: Orphanet 91387, MedGen C4707243, MONDO:0019625.

Allele frequency attached by ClinVar (database versions not stated): ExAC 0.00001; gnomAD exomes 0.00001.
gnomAD v4.1: 3 of 1,613,932 alleles (0.00019%); highest among the groups gnomAD compares: South Asian, 0.0011%; no homozygotes.

Submission:

All of Us Research Program, National Institutes of Health
Classification: Uncertain significance for Familial thoracic aortic aneurysm and aortic dissection. Last evaluated: 2023-04-03. Review status: criteria provided, single submitter. Criteria: ACMG Guidelines, 2015. Collection method: clinical testing. Allele origin: germline. Inheritance: Autosomal dominant inheritance. Observed: 1 variant allele, 1 heterozygote.
Comment: This missense variant replaces alanine with valine at codon 1170 of the MYH11 protein. Computational prediction suggests that this variant may have deleterious impact on protein structure and function (internally defined REVEL score threshold >= 0.7, PMID: 27666373). To our knowledge, functional studies have not been reported for this variant. This variant has not been reported in individuals affected with MYH11-related disorders in the literature. This variant has been identified in 2/251376 chromosomes in the general population by the Genome Aggregation Database (gnomAD). The available evidence is insufficient to determine the role of this variant in disease conclusively. Therefore, this variant is classified as a Variant of Uncertain Significance.

This study involves interpretation of variants in research participants for the purpose of population health screening. Participant phenotype was not available at the time of variant classification. Additional details can be found in publication PMID: 35346344, PMCID: PMC8962531

NM_002474.3(MYH11):c.3488C>T (p.Ala1163Val)

Gene: MYH11 (myosin heavy chain 11; minus strand). Cytogenetic location: 16p13.11.
Variant type: single nucleotide variant.
Coding change: c.3488C>T on transcript NM_002474.3 (MANE Select); coding-DNA position 3488, C replaced by T.
Protein change: p.Ala1163Val; replaces alanine 1163 with valine.
Molecular consequence: missense variant.
Genome position (GRCh38, 1-based): chr16:15,735,384, G>A on the plus strand (C>T on the coding strand, the complement: MYH11 is on the minus strand). VCF-style: chr16-15735384-G-A. GRCh37 (hg19) VCF-style: chr16-15829241-G-A.
Other names: c.3509C>T, p.Ala1170Val (NM_001040113.2, NM_001040114.2); c.3488C>T, p.Ala1163Val (NM_022844.3); short protein forms A1163V, A1170V.
Identifiers: ClinVar variation 3070104 (VCV003070104.1), dbSNP rs756399709, ClinGen allele CA7921987.